The following is an entry in ClinVar:

NM_001164665.2(KIAA1549):c.2666G>A (p.Gly889Asp)

Gene: KIAA1549 (KIAA1549; minus strand). Cytogenetic location: 7q34.
Variant type: single nucleotide variant.
Coding change: c.2666G>A on transcript NM_001164665.2 (MANE Select); coding-DNA position 2666, G replaced by A.
Protein change: p.Gly889Asp; replaces glycine 889 with aspartic acid.
Molecular consequence: missense variant.
Genome position (GRCh38, 1-based): chr7:138,916,960, C>T on the plus strand (G>A on the coding strand, the complement: KIAA1549 is on the minus strand). VCF-style: chr7-138916960-C-T. GRCh37 (hg19) VCF-style: chr7-138601706-C-T.
Other names: c.2666G>A, p.Gly889Asp (NM_020910.3); short protein forms G889D.
Identifiers: ClinVar variation 2796751 (VCV002796751.3), dbSNP rs2354336, ClinGen allele CA369392214.

ClinVar aggregate classification (germline): Uncertain significance (1 of 4 stars; one submission).

gnomAD v4.1: 1 of 1,603,276 alleles (0.000062%); highest among the groups gnomAD compares: Non-Finnish European, 0.000085%; no homozygotes.

Submission:

Labcorp Genetics (formerly Invitae), Labcorp
Classification: Uncertain significance. Last evaluated: 2022-12-20. Review status: criteria provided, single submitter. Criteria: Invitae Variant Classification Sherloc (09022015). Collection method: clinical testing. Allele origin: germline.
Comment: In summary, the available evidence is currently insufficient to determine the role of this variant in disease. Therefore, it has been classified as a Variant of Uncertain Significance. Algorithms developed to predict the effect of missense changes on protein structure and function (SIFT, PolyPhen-2, Align-GVGD) all suggest that this variant is likely to be tolerated. This variant has not been reported in the literature in individuals affected with KIAA1549-related conditions. This variant is not present in population databases (gnomAD no frequency). This sequence change replaces glycine, which is neutral and non-polar, with aspartic acid, which is acidic and polar, at codon 889 of the KIAA1549 protein (p.Gly889Asp).